The following is an entry in ClinVar:

ClinVar aggregate classification (germline): Uncertain significance (1 of 4 stars; one submission).

gnomAD v4.1: 1 of 1,613,980 alleles (0.000062%); highest among the groups gnomAD compares: South Asian, 0.0011%; no homozygotes.

Submission:

Ambry Genetics
Classification: Uncertain significance. Last evaluated: 2025-01-17. Review status: criteria provided, single submitter. Criteria: Ambry Variant Classification Scheme 2023. Collection method: clinical testing. Allele origin: germline.
Comment: The p.H95P variant (also known as c.284A>C), located in coding exon 3 of the RAD51B gene, results from an A to C substitution at nucleotide position 284. The histidine at codon 95 is replaced by proline, an amino acid with similar properties. This amino acid position is conserved. In addition, the in silico prediction for this alteration is inconclusive. Based on the available evidence, the clinical significance of this variant remains unclear.

NM_133510.4(RAD51B):c.284A>C (p.His95Pro)

Gene: RAD51B (RAD51 paralog B; plus strand). Cytogenetic location: 14q24.1.
Variant type: single nucleotide variant.
Coding change: c.284A>C on transcript NM_133510.4 (MANE Select); coding-DNA position 284, A replaced by C.
Protein change: p.His95Pro; replaces histidine 95 with proline.
Molecular consequence: missense variant. On other transcripts: 5 prime UTR variant (1).
Genome position (GRCh38, 1-based): chr14:67,835,165, A>C. VCF-style: chr14-67835165-A-C. GRCh37 (hg19) VCF-style: chr14-68301882-A-C.
Other names: c.284A>C, p.His95Pro (NM_001321809.2, NM_001321810.2, NM_001321812.1 and 6 more transcripts); c.170A>C, p.His57Pro (NM_001321815.1); c.-172A>C (NM_001321817.2); short protein forms H95P, H57P.
Identifiers: ClinVar variation 3786419 (VCV003786419.1).
Genomic context (GRCh38, chr14:67,835,165, plus strand): 5'-CTGCTGATTTCTCACCAGCATTCTTATCTACTACCCTTTCTGCTTTGGACGAAGCCCTGC[A>C]TGGTGGTGTGGCTTGTGGATCCCTCACAGAGGTAAAGGAAAAATTTTTCGTACCTTCTTC-3'
Protein context (NP_598194.1, residues 85-105): TTLSALDEAL[His95Pro]GGVACGSLTE